The following is an entry in ClinVar:

GRCh38/hg38 2q24.1(chr2:157401682-157819676)x3

Genes: ACVR1 (activin A receptor type 1; minus strand), ACVR1C (activin A receptor type 1C; minus strand), CYTIP (cytohesin 1 interacting protein; minus strand), LOC126806386 (CDK7 strongly-dependent group 2 enhancer GRCh37_chr2:158320283-158321482; plus strand), LOC126806387 (BRD4-independent group 4 enhancer GRCh37_chr2:158590437-158591636; plus strand) and 14 more. Cytogenetic location: 2q24.1.
Variant type: copy number gain.
Change: copy number 3 (three copies instead of two) of chr2:157,401,682-157,819,676 (418.0 kb, GRCh38 coordinates, 1-based), cytogenetic band 2q24.1.
Identifiers: ClinVar variation 4796461 (VCV004796461.1).

ClinVar aggregate classification (germline): Uncertain significance (1 of 4 stars; one submission).

Submission:

Medical Genetic Center, Changzhi Maternal and Child Health Care Hospital
Classification: Uncertain significance. Last evaluated: 2025-12-10. Review status: criteria provided, single submitter. Criteria: ACMG/ClinGen CNV Guidelines, 2019. Collection method: clinical testing. Allele origin: unknown.
Comment: ACVR1 partial duplication (NM_001111067.4, exon 2-11)